The following is an entry in ClinVar:

NM_000404.4(GLB1):c.1351C>T (p.Pro451Ser)

Gene: GLB1 (galactosidase beta 1; minus strand). Cytogenetic location: 3p22.3.
Variant type: single nucleotide variant.
Coding change: c.1351C>T on transcript NM_000404.4 (MANE Select); coding-DNA position 1351, C replaced by T.
Protein change: p.Pro451Ser; replaces proline 451 with serine.
Molecular consequence: missense variant.
Genome position (GRCh38, 1-based): chr3:33,016,837, G>A on the plus strand (C>T on the coding strand, the complement: GLB1 is on the minus strand). VCF-style: chr3-33016837-G-A. GRCh37 (hg19) VCF-style: chr3-33058329-G-A.
Other names: c.1261C>T, p.Pro421Ser (NM_001079811.3); c.958C>T, p.Pro320Ser (NM_001135602.3); c.1495C>T, p.Pro499Ser (NM_001317040.2); c.1351C>T, p.Pro451Ser (NM_001393580.1); short protein forms P451S, P320S, P421S, P499S.
Identifiers: ClinVar variation 1922240 (VCV001922240.5), dbSNP rs267599772, ClinGen allele CA72648770.

ClinVar aggregate classification (germline): Uncertain significance (1 of 4 stars; one submission).

Conditions:
GM1 gangliosidosis. Identifiers: Orphanet 354, MedGen C0085131, MONDO:0018149.
Mucopolysaccharidosis, MPS-IV-B (MPS4B). Also called: Mucopolysaccharidosis type IV B; Mucopolysaccharidosis type 4B; MORQUIO SYNDROME B; Mucopolysaccharidosis type IVB (Morquio); MPS IVB; Mucopolysaccharidosis Type IVB. Identifiers: Orphanet 309310, Orphanet 582, MedGen C0086652, MONDO:0009660, OMIM 253010.

Allele frequency attached by ClinVar (database versions not stated): gnomAD exomes below 0.00001; TOPMed below 0.00001; gnomAD 0.00001.
gnomAD v4.1: 3 of 1,613,790 alleles (0.00019%); highest among the groups gnomAD compares: African/African-American, 0.0027%; no homozygotes.

Submission:

Labcorp Genetics (formerly Invitae), Labcorp
Classification: Uncertain significance for Mucopolysaccharidosis, MPS-IV-B; GM1 gangliosidosis. Last evaluated: 2024-10-22. Review status: criteria provided, single submitter. Criteria: Invitae Variant Classification Sherloc (09022015). Collection method: clinical testing. Allele origin: germline.
Comment: This sequence change replaces proline, which is neutral and non-polar, with serine, which is neutral and polar, at codon 451 of the GLB1 protein (p.Pro451Ser). This variant is present in population databases (rs267599772, gnomAD 0.01%). This variant has not been reported in the literature in individuals affected with GLB1-related conditions. ClinVar contains an entry for this variant (Variation ID: 1922240). An algorithm developed to predict the effect of missense changes on protein structure and function outputs the following: PolyPhen-2: "Benign". The serine amino acid residue is found in multiple mammalian species, which suggests that this missense change does not adversely affect protein function. In summary, the available evidence is currently insufficient to determine the role of this variant in disease. Therefore, it has been classified as a Variant of Uncertain Significance.